The following is an entry in ClinVar:

ClinVar aggregate classification (germline): Uncertain significance (1 of 4 stars; one submission).

Conditions:
BDP1-related disorder. Also called: BDP1-related condition.

gnomAD v4.1: 14 of 1,612,706 alleles (0.00087%); highest among the groups gnomAD compares: Admixed American, 0.023%; no homozygotes.

Submission:

PreventionGenetics, part of Exact Sciences
Classification: Uncertain significance for BDP1-related condition. Last evaluated: 2026-01-04. Review status: criteria provided, single submitter. Criteria: ACMG Guidelines, 2015. Collection method: clinical testing. Allele origin: germline.
Comment: The BDP1 c.7175A>G variant is predicted to result in the amino acid substitution p.Asp2392Gly. To our knowledge, this variant has not been reported in the literature. This variant is reported in 0.035% of alleles in individuals of Latino descent in gnomAD. At this time, the clinical significance of this variant is uncertain due to the absence of conclusive functional and genetic evidence.

NM_018429.3(BDP1):c.7175A>G (p.Asp2392Gly)

Gene: BDP1 (BDP1 general transcription factor IIIB subunit; plus strand). Cytogenetic location: 5q13.2.
Variant type: single nucleotide variant.
Coding change: c.7175A>G on transcript NM_018429.3 (MANE Select); coding-DNA position 7175, A replaced by G.
Protein change: p.Asp2392Gly; replaces aspartic acid 2392 with glycine.
Molecular consequence: missense variant.
Genome position (GRCh38, 1-based): chr5:71,553,295, A>G. VCF-style: chr5-71553295-A-G. GRCh37 (hg19) VCF-style: chr5-70849122-A-G.
Other names: short protein forms D2392G.
Identifiers: ClinVar variation 4987788 (VCV004987788.1).